The following is an entry in ClinVar:

ClinVar aggregate classification (germline): Conflicting classifications of pathogenicity. Review status: criteria provided, conflicting classifications (1 of 4 stars). 3 submissions from 3 submitters: Uncertain significance (2); Likely benign (1). Last evaluated 2025-05-16.

Conditions:
Inborn genetic diseases. Identifiers: MedGen C0950123, MeSH D030342.
Thrombocytopenia 2 (THC2). Also called: ANKRD26-Related Thrombocytopenia. Identifiers: Orphanet 268322, MedGen C1861185, MONDO:0008555, OMIM 188000.

Allele frequency attached by ClinVar (database versions not stated): ExAC 0.00001; gnomAD exomes 0.00004 and 0.00009; TOPMed 0.00034; gnomAD 0.00040 and 0.00041.
gnomAD v4.1: 118 of 1,614,006 alleles (0.0073%); highest among the groups gnomAD compares: Admixed American, 0.13%; 1 homozygote.

Submissions (3):

Ambry Genetics
Classification: Uncertain significance for Inborn genetic diseases. Last evaluated: 2025-05-16. Review status: criteria provided, single submitter. Criteria: Ambry Variant Classification Scheme 2023. Collection method: clinical testing. Allele origin: germline.

Labcorp Genetics (formerly Invitae), Labcorp
Classification: Likely benign. Last evaluated: 2024-05-17. Review status: criteria provided, single submitter. Criteria: Invitae Variant Classification Sherloc (09022015). Collection method: clinical testing. Allele origin: germline.

St. Jude Molecular Pathology, St. Jude Children's Research Hospital
Classification: Uncertain significance for Thrombocytopenia 2. Last evaluated: 2022-02-24. Review status: criteria provided, single submitter. Criteria: St. Jude Assertion Criteria 2020. Collection method: clinical testing. Allele origin: germline.
Comment: The ANKRD26 c.425C>T (p.Ala142Val) missense change has a maximum subpopulation frequency of 0.058% in gnomAD v2.1.1. This variant is not located in the 5’ UTR. Five of five in silico tools predict a benign effect of this variant on protein function (BP4), but these predictions have not been confirmed by functional studies. To our knowledge, this variant has not been reported in individuals with ANKRD26-related thrombocytopenia. In summary, this variant meets criteria to be classified as of uncertain significance based on the ACMG/AMP criteria: BP4.

NM_014915.3(ANKRD26):c.425C>T (p.Ala142Val)

Gene: ANKRD26 (ankyrin repeat domain 26; minus strand). Cytogenetic location: 10p12.1.
Variant type: single nucleotide variant.
Coding change: c.425C>T on transcript NM_014915.3 (MANE Select); coding-DNA position 425, C replaced by T.
Protein change: p.Ala142Val; replaces alanine 142 with valine.
Molecular consequence: missense variant.
Genome position (GRCh38, 1-based): chr10:27,093,455, G>A on the plus strand (C>T on the coding strand, the complement: ANKRD26 is on the minus strand). VCF-style: chr10-27093455-G-A. GRCh37 (hg19) VCF-style: chr10-27382384-G-A.
Other names: c.425C>T, p.Ala142Val (NM_001256053.2); short protein forms A142V.
Identifiers: ClinVar variation 1691513 (VCV001691513.9), dbSNP rs768779673, ClinGen allele CA5448946.
Genomic context (GRCh38, chr10:27,093,455, plus strand): 5'-GCTACTGATATGTCCTCATTATAGACAGCATAGTGAAGAGCAGTGTTGCCATGGACATCC[G>A]CAAGATTTGGATCAGCACCATGTTCTAGCAGAATAGTTGCACATTTCTCTTCCTGGCATT-3'
Protein context (NP_055730.2, residues 132-152): LLEHGADPNL[Ala142Val]DVHGNTALHY